The following is an entry in ClinVar:

ClinVar aggregate classification (germline): Likely pathogenic (1 of 4 stars; one submission).

Submission:

Labcorp Genetics (formerly Invitae), Labcorp
Classification: Likely pathogenic. Last evaluated: 2022-04-08. Review status: criteria provided, single submitter. Criteria: Invitae Variant Classification Sherloc (09022015). Collection method: clinical testing. Allele origin: germline.
Comment: This variant has not been reported in the literature in individuals affected with VPS13A-related conditions. Algorithms developed to predict the effect of sequence changes on RNA splicing suggest that this variant may disrupt the consensus splice site. In summary, the currently available evidence indicates that the variant is pathogenic, but additional data are needed to prove that conclusively. Therefore, this variant has been classified as Likely Pathogenic. This variant is not present in population databases (gnomAD no frequency). This sequence change affects an acceptor splice site in intron 7 of the VPS13A gene. It is expected to disrupt RNA splicing. Variants that disrupt the donor or acceptor splice site typically lead to a loss of protein function (PMID: 16199547), and loss-of-function variants in VPS13A are known to be pathogenic (PMID: 12404112, 21598378).

Literature cited by the submitters: PubMed 16199547; PubMed 12404112; PubMed 21598378.

NM_033305.3(VPS13A):c.556-2A>G

Gene: VPS13A (vacuolar protein sorting 13 homolog A; plus strand). Cytogenetic location: 9q21.2.
Variant type: single nucleotide variant.
Coding change: c.556-2A>G on transcript NM_033305.3 (MANE Select); the canonical splice acceptor site of the intron before coding-DNA position 556, A replaced by G.
Molecular consequence: splice acceptor variant.
Genome position (GRCh38, 1-based): chr9:77,212,967, A>G. VCF-style: chr9-77212967-A-G. GRCh37 (hg19) VCF-style: chr9-79827883-A-G.
Other names: c.556-2A>G (NM_001018037.2, NM_015186.4, NM_001018038.3).
Identifiers: ClinVar variation 1480289 (VCV001480289.6), dbSNP rs2131152462, ClinGen allele CA373842512.